The following is an entry in ClinVar:

ClinVar aggregate classification (germline): Likely benign. Review status: criteria provided, multiple submitters, no conflicts (2 of 4 stars). 2 submissions from 2 submitters: Likely benign (2). Last evaluated 2025-04-29.

Conditions:
Progressive sclerosing poliodystrophy (MTDPS4A). Also called: Mitochondrial DNA depletion syndrome 4A (Alpers type); Alpers Syndrome; ALPERS DIFFUSE DEGENERATION OF CEREBRAL GRAY MATTER WITH HEPATIC CIRRHOSIS; Alpers-Huttenlocher Syndrome; ALPERS PROGRESSIVE INFANTILE POLIODYSTROPHY; NEURONAL DEGENERATION OF CHILDHOOD WITH LIVER DISEASE, PROGRESSIVE. Identifiers: Orphanet 726, MedGen C0205710, MONDO:0008758, OMIM 203700.

Allele frequency attached by ClinVar (database versions not stated): gnomAD exomes 0.00001.
gnomAD v4.1: 9 of 1,595,330 alleles (0.00056%); highest among the groups gnomAD compares: East Asian, 0.0022%; no homozygotes.

Submissions (2):

Mayo Clinic Laboratories, Mayo Clinic
Classification: Likely benign. Last evaluated: 2025-04-29. Review status: criteria provided, single submitter. Criteria: ACMG Guidelines, 2015. Collection method: clinical testing. Allele origin: germline. Observed: 1 variant allele.
Comment: BP4, BP7

Labcorp Genetics (formerly Invitae), Labcorp
Classification: Likely benign for Progressive sclerosing poliodystrophy. Last evaluated: 2024-05-19. Review status: criteria provided, single submitter. Criteria: Invitae Variant Classification Sherloc (09022015). Collection method: clinical testing. Allele origin: germline.

NM_002693.3(POLG):c.2598+9C>T

Gene: POLG (DNA polymerase gamma, catalytic subunit; minus strand). Cytogenetic location: 15q26.1.
Variant type: single nucleotide variant.
Coding change: c.2598+9C>T on transcript NM_002693.3 (MANE Select); 9 bases into the intron after coding-DNA position 2598, C replaced by T.
Molecular consequence: intron variant.
Genome position (GRCh38, 1-based): chr15:89,321,727, G>A on the plus strand (C>T on the coding strand, the complement: POLG is on the minus strand). VCF-style: chr15-89321727-G-A. GRCh37 (hg19) VCF-style: chr15-89864958-G-A.
Other names: p.?; c.2598+9C>T (NM_001126131.2, NM_002693.2).
Identifiers: ClinVar variation 2153353 (VCV002153353.5), dbSNP rs1475854655, ClinGen allele CA619512405.
Genomic context (GRCh38, chr15:89,321,727, plus strand): 5'-CCCTCAGAGCCCAGTTTCTACAGACCTGGGAGAGGAAGAGCAGGGGCCAGAGGTACAGAG[G>A]TCACATACCCGGGCATTGCTGGCGGTGAGCCATGTGGGCTCCACAGCCCGGCGAGTGATG-3'